The following is an entry in ClinVar:

NM_003672.4(CDC14A):c.1744C>T (p.Arg582Cys)

Gene: CDC14A (cell division cycle 14A; plus strand). Cytogenetic location: 1p21.2.
Variant type: single nucleotide variant.
Coding change: c.1744C>T on transcript NM_003672.4 (MANE Select); coding-DNA position 1744, C replaced by T.
Protein change: p.Arg582Cys; replaces arginine 582 with cysteine.
Molecular consequence: missense variant.
Genome position (GRCh38, 1-based): chr1:100,499,251, C>T. VCF-style: chr1-100499251-C-T. GRCh37 (hg19) VCF-style: chr1-100964807-C-T.
Other names: c.1744C>T, p.Arg582Cys (NM_001319210.2, NM_033312.3); c.1570C>T, p.Arg524Cys (NM_001319211.2); c.865C>T, p.Arg289Cys (NM_001319212.2); short protein forms R289C, R582C, R524C.
Identifiers: ClinVar variation 1477939 (VCV001477939.7), dbSNP rs775050058, ClinGen allele CA970970.

ClinVar aggregate classification (germline): Uncertain significance (1 of 4 stars; one submission).

Allele frequency attached by ClinVar (database versions not stated): gnomAD exomes 0.00002 and 0.00004; gnomAD 0.00003; TOPMed 0.00003; ExAC 0.00005.
gnomAD v4.1: 31 of 1,614,068 alleles (0.0019%); highest among the groups gnomAD compares: South Asian, 0.012%; no homozygotes.

Submission:

Labcorp Genetics (formerly Invitae), Labcorp
Classification: Uncertain significance. Last evaluated: 2022-03-10. Review status: criteria provided, single submitter. Criteria: Invitae Variant Classification Sherloc (09022015). Collection method: clinical testing. Allele origin: germline.
Comment: In summary, the available evidence is currently insufficient to determine the role of this variant in disease. Therefore, it has been classified as a Variant of Uncertain Significance. Algorithms developed to predict the effect of missense changes on protein structure and function are either unavailable or do not agree on the potential impact of this missense change (SIFT: "Deleterious"; PolyPhen-2: "Probably Damaging"; Align-GVGD: "Class C0"). This variant has not been reported in the literature in individuals affected with CDC14A-related conditions. This variant is present in population databases (rs775050058, gnomAD 0.01%). This sequence change replaces arginine, which is basic and polar, with cysteine, which is neutral and slightly polar, at codon 582 of the CDC14A protein (p.Arg582Cys).